The following is an entry in ClinVar:

NM_000350.3(ABCA4):c.178G>A (p.Ala60Thr)

Gene: ABCA4 (ATP binding cassette subfamily A member 4; minus strand). Cytogenetic location: 1p22.1.
Variant type: single nucleotide variant.
Coding change: c.178G>A on transcript NM_000350.3 (MANE Select); coding-DNA position 178, G replaced by A.
Protein change: p.Ala60Thr; replaces alanine 60 with threonine.
Molecular consequence: missense variant.
Genome position (GRCh38, 1-based): chr1:94,111,562, C>T on the plus strand (G>A on the coding strand, the complement: ABCA4 is on the minus strand). VCF-style: chr1-94111562-C-T. GRCh37 (hg19) VCF-style: chr1-94577118-C-T.
Other names: c.178G>A, p.Ala60Thr (NM_001425324.1); short protein forms A60T.
Identifiers: ClinVar variation 99081 (VCV000099081.6), dbSNP rs61751411, ClinGen allele CA226928.
Genomic context (GRCh38, chr1:94,111,562, plus strand): 5'-GATTGTTCACATTGCAGAAGATCCCCTGGAGCCACGGCAGCATTCCTGCTGAGGGCATCG[C>T]CTTGTTGGGGAAATGGCCTTTAAAACAGAAAATGAGGACAAGACGGGATTAGTCATGGAG-3'
Protein context (NP_000341.2, residues 50-70): SHHECHFPNK[Ala60Thr]MPSAGMLPWL

ClinVar aggregate classification (germline): Likely pathogenic. Review status: criteria provided, multiple submitters, no conflicts (2 of 4 stars). 3 submissions from 3 submitters: Likely pathogenic (2). 1 of the submissions does not count toward it. Last evaluated 2023-05-24.

Conditions:
ABCA4-related disorder. Also called: ABCA4-related disorders; ABCA4-related condition. Identifiers: MedGen CN239167.

Submissions (3):

Blueprint Genetics
Classification: Likely pathogenic for ABCA4-related disorders. Last evaluated: 2023-05-24. Review status: criteria provided, single submitter. Criteria: ACMG Guidelines, 2015. Collection method: clinical testing. Allele origin: germline. Affected: yes. Observed: 1 variant allele.

Labcorp Genetics (formerly Invitae), Labcorp
Classification: Likely pathogenic. Last evaluated: 2022-06-24. Review status: criteria provided, single submitter. Criteria: Invitae Variant Classification Sherloc (09022015). Collection method: clinical testing. Allele origin: germline.
Comment: In summary, the currently available evidence indicates that the variant is pathogenic, but additional data are needed to prove that conclusively. Therefore, this variant has been classified as Likely Pathogenic. This variant disrupts the p.Ala60 amino acid residue in ABCA4. Other variant(s) that disrupt this residue have been determined to be pathogenic (PMID: 28118664, 28559085). This suggests that this residue is clinically significant, and that variants that disrupt this residue are likely to be disease-causing. Advanced modeling of protein sequence and biophysical properties (such as structural, functional, and spatial information, amino acid conservation, physicochemical variation, residue mobility, and thermodynamic stability) performed at Invitae indicates that this missense variant is expected to disrupt ABCA4 protein function. ClinVar contains an entry for this variant (Variation ID: 99081). This missense change has been observed in individual(s) with retinitis pigmentosa and/or Stargardt disease (PMID: 10958763, 33301772). This variant is not present in population databases (gnomAD no frequency). This sequence change replaces alanine, which is neutral and non-polar, with threonine, which is neutral and polar, at codon 60 of the ABCA4 protein (p.Ala60Thr).

Retina International
No classification provided. Review status: no classification provided. Collection method: not provided. Allele origin: not provided. Not counted in ClinVar's aggregate classification.

Literature cited by the submitters: PubMed 28118664 (cited by Labcorp Genetics (formerly Invitae), Labcorp); PubMed 28559085 (cited by Labcorp Genetics (formerly Invitae), Labcorp); PubMed 10958763 (cited by Labcorp Genetics (formerly Invitae), Labcorp); PubMed 33301772 (cited by Labcorp Genetics (formerly Invitae), Labcorp).